The following is an entry in ClinVar:

ClinVar aggregate classification (germline): Pathogenic/Likely pathogenic. Review status: criteria provided, multiple submitters, no conflicts (2 of 4 stars). 2 submissions from 2 submitters: Pathogenic (1); Likely pathogenic (1). Last evaluated 2022-02-03.

Conditions:
46,XY sex reversal 6. Also called: 46,XY SEX REVERSAL, PARTIAL OR COMPLETE, MAP3K1-RELATED; 46,XY GONADAL DYSGENESIS, PARTIAL OR COMPLETE, MAP3K1-RELATED. Identifiers: MedGen C3151064, MONDO:0013410, OMIM 613762.

Submissions (2):

Labcorp Genetics (formerly Invitae), Labcorp
Classification: Pathogenic for 46,XY sex reversal 6. Last evaluated: 2022-02-03. Review status: criteria provided, single submitter. Criteria: Invitae Variant Classification Sherloc (09022015). Collection method: clinical testing. Allele origin: germline.
Comment: This sequence change replaces arginine, which is basic and polar, with glutamine, which is neutral and polar, at codon 339 of the MAP3K1 protein (p.Arg339Gln). This variant is not present in population databases (gnomAD no frequency). This missense change has been observed in individual(s) with clinical features of 46,XY disorder of sex development (PMID: 25383892; Invitae). In at least one individual the variant was observed to be de novo. ClinVar contains an entry for this variant (Variation ID: 471688). Algorithms developed to predict the effect of missense changes on protein structure and function are either unavailable or do not agree on the potential impact of this missense change (SIFT: "Deleterious"; PolyPhen-2: "Possibly Damaging"; Align-GVGD: "Class C0"). For these reasons, this variant has been classified as Pathogenic.

Clinical Genetics Service, Universitary Hospital 12 de Octubre
Classification: Likely pathogenic for 46,XY sex reversal 6. Review status: criteria provided, single submitter. Criteria: ACMG Guidelines, 2015. Collection method: clinical testing. Allele origin: germline. Affected: yes.

Literature cited by the submitters: PubMed 25383892 (cited by Labcorp Genetics (formerly Invitae), Labcorp).

NM_005921.2(MAP3K1):c.1016G>A (p.Arg339Gln)

Gene: MAP3K1 (mitogen-activated protein kinase kinase kinase 1; plus strand). Cytogenetic location: 5q11.2.
Variant type: single nucleotide variant.
Coding change: c.1016G>A on transcript NM_005921.2 (MANE Select); coding-DNA position 1016, G replaced by A.
Protein change: p.Arg339Gln; replaces arginine 339 with glutamine.
Molecular consequence: missense variant.
Genome position (GRCh38, 1-based): chr5:56,864,915, G>A. VCF-style: chr5-56864915-G-A. GRCh37 (hg19) VCF-style: chr5-56160742-G-A.
Other names: short protein forms R339Q.
Identifiers: ClinVar variation 471688 (VCV000471688.9), dbSNP rs1554034036, ClinGen allele CA359803128.